The following is an entry in ClinVar:

NM_001267550.2(TTN):c.66480G>A (p.Pro22160=)

Genes: TTN (titin; minus strand), TTN-AS1 (TTN antisense RNA 1; plus strand). Cytogenetic location: 2q31.2.
Variant type: single nucleotide variant.
Coding change: c.66480G>A on transcript NM_001267550.2 (MANE Select); coding-DNA position 66480, G replaced by A.
Protein change: p.Pro22160=; no amino-acid change (proline 22160 retained).
Molecular consequence: synonymous variant.
Genome position (GRCh38, 1-based): chr2:178,581,788, C>T on the plus strand (G>A on the coding strand, the complement: TTN is on the minus strand). VCF-style: chr2-178581788-C-T. GRCh37 (hg19) VCF-style: chr2-179446515-C-T.
Other names: c.58776G>A, p.Pro19592= (NM_133378.4); c.61557G>A, p.Pro20519= (NM_001256850.1); c.39285G>A, p.Pro13095= (NM_003319.4); c.39660G>A, p.Pro13220= (NM_133432.3); c.39861G>A, p.Pro13287= (NM_133437.4).
Identifiers: ClinVar variation 47235 (VCV000047235.21), dbSNP rs372814670, ClinGen allele CA140410.

ClinVar aggregate classification (germline): Likely benign. Review status: criteria provided, multiple submitters, no conflicts (2 of 4 stars). 5 submissions from 5 submitters: Likely benign (5). Last evaluated 2025-09-17.

Conditions:
TTN-related disorder. Also called: TTN-related condition; TTN-related disease; TTN-related disorders.
Cardiovascular phenotype. Identifiers: MedGen CN230736.
Autosomal recessive limb-girdle muscular dystrophy type 2J (LGMDR10). Also called: Limb-girdle muscular dystrophy, type 2J; MUSCULAR DYSTROPHY, LIMB-GIRDLE, AUTOSOMAL RECESSIVE 10. Identifiers: Orphanet 140922, MedGen C1837342, MONDO:0012127, OMIM 608807.
Dilated cardiomyopathy 1G (CMD1G). Identifiers: Orphanet 154, MedGen C1858763, MONDO:0011400, OMIM 604145.

Allele frequency attached by ClinVar (database versions not stated): gnomAD exomes 0.00003; ExAC 0.00004; gnomAD 0.00006 and 0.00007; ESP Exome Variant Server 0.00008; TOPMed 0.00008.
gnomAD v4.1: 38 of 1,598,372 alleles (0.0024%); highest among the groups gnomAD compares: African/African-American, 0.018%; no homozygotes.

Submissions (5):

Labcorp Genetics (formerly Invitae), Labcorp
Classification: Likely benign for Dilated cardiomyopathy 1G; Autosomal recessive limb-girdle muscular dystrophy type 2J. Last evaluated: 2025-09-17. Review status: criteria provided, single submitter. Criteria: Invitae Variant Classification Sherloc (09022015). Collection method: clinical testing. Allele origin: germline.

PreventionGenetics, part of Exact Sciences
Classification: Likely benign for TTN-related condition. Last evaluated: 2025-04-26. Review status: criteria provided, single submitter. Criteria: ACMG Guidelines, 2015. Collection method: clinical testing. Allele origin: germline.
Comment: This variant is classified as likely benign based on ACMG/AMP sequence variant interpretation guidelines (Richards et al. 2015 PMID: 25741868, with internal and published modifications).

GeneDx
Classification: Likely benign. Last evaluated: 2020-02-28. Review status: criteria provided, single submitter. Criteria: GeneDx Variant Classification Process June 2021. Collection method: clinical testing. Allele origin: germline. Affected: yes.

Ambry Genetics
Classification: Likely benign for Cardiovascular phenotype. Last evaluated: 2020-02-27. Review status: criteria provided, single submitter. Criteria: Ambry Variant Classification Scheme 2023. Collection method: clinical testing. Allele origin: germline.

Laboratory for Molecular Medicine, Mass General Brigham Personalized Medicine
Classification: Likely benign. Last evaluated: 2012-04-18. Review status: criteria provided, single submitter. Criteria: LMM Criteria. Collection method: clinical testing. Allele origin: germline. Observed: 1 variant allele.
Comment: Pro19592Pro in Exon 265 of TTN: This variant is not expected to have clinical si gnificance because it does not alter an amino acid residue, is not located withi n the splice consensus sequence and it has been identified in 1/6572 European Am erican chromosomes from a broad population by the NHLBI Exome Sequencing Project. Pro19592Pro in Exon 265 of TTN (allele fr equency = 0.01%, 1/6572) **